The following is an entry in ClinVar:

NM_006086.4(TUBB3):c.921C>T (p.His307=)

Gene: TUBB3 (tubulin beta 3 class III; plus strand). Cytogenetic location: 16q24.3.
Variant type: single nucleotide variant.
Coding change: c.921C>T on transcript NM_006086.4 (MANE Select); coding-DNA position 921, C replaced by T.
Protein change: p.His307=; no amino-acid change (histidine 307 retained).
Molecular consequence: synonymous variant.
Genome position (GRCh38, 1-based): chr16:89,935,372, C>T. VCF-style: chr16-89935372-C-T. GRCh37 (hg19) VCF-style: chr16-90001780-C-T.
Other names: p.His307=; c.705C>T, p.His235= (NM_001197181.2).
Identifiers: ClinVar variation 197267 (VCV000197267.47), dbSNP rs147283850, ClinGen allele CA245301.

ClinVar aggregate classification (germline): Conflicting classifications of pathogenicity. Review status: criteria provided, conflicting classifications (1 of 4 stars). 10 submissions from 10 submitters: Uncertain significance (2); Benign (1); Likely benign (6). 1 of the submissions does not count toward it. Last evaluated 2025-12-15.

Conditions:
Complex cortical dysplasia with other brain malformations 1. Identifiers: Orphanet 300570, MedGen C3808397, MONDO:0013541, OMIM 614039.
TUBB3-related disorder. Also called: TUBB3-related disorders; TUBB3-related condition.

Allele frequency attached by ClinVar (database versions not stated): 1000 Genomes Project 0.00020; 1000 Genomes Project 30x 0.00031; gnomAD 0.00080 and 0.00083; gnomAD exomes 0.00090 and 0.00143; TOPMed 0.00098; ESP Exome Variant Server 0.00154.
gnomAD v4.1: 2,196 of 1,614,138 alleles (0.14%); highest among the groups gnomAD compares: Non-Finnish European, 0.17%; no homozygotes.

Submissions (10):

Labcorp Genetics (formerly Invitae), Labcorp
Classification: Likely benign. Last evaluated: 2025-12-15. Review status: criteria provided, single submitter. Criteria: Invitae Variant Classification Sherloc (09022015). Collection method: clinical testing. Allele origin: germline.

CeGaT Center for Human Genetics Tuebingen
Classification: Likely benign. Last evaluated: 2025-07-01. Review status: criteria provided, single submitter. Criteria: CeGaT Center For Human Genetics Tuebingen Variant Classification Criteria Version 2. Collection method: clinical testing. Allele origin: germline. Affected: yes. Observed: 4 variant alleles.
Comment: TUBB3: BP4, BP7

Laboratory of Genetics, Children's Clinical University Hospital Latvia
Classification: Likely benign. Last evaluated: 2025-02-16. Review status: criteria provided, single submitter. Criteria: ACMG Guidelines, 2015. Collection method: clinical testing. Allele origin: germline. Affected: yes.

Blueprint Genetics
Classification: Likely benign. Last evaluated: 2024-11-07. Review status: criteria provided, single submitter. Criteria: ACMG Guidelines, 2015. Collection method: clinical testing. Allele origin: germline.

Mayo Clinic Laboratories, Mayo Clinic
Classification: Benign. Last evaluated: 2024-07-02. Review status: criteria provided, single submitter. Criteria: ACMG Guidelines, 2015. Collection method: clinical testing. Allele origin: germline. Observed: 6 variant alleles.
Comment: BS1, BS2, BP4, BP7

GeneDx
Classification: Likely benign. Last evaluated: 2019-12-11. Review status: criteria provided, single submitter. Criteria: GeneDx Variant Classification Process June 2021. Collection method: clinical testing. Allele origin: germline. Affected: yes.

Genetic Services Laboratory, University of Chicago
Classification: Likely benign. Last evaluated: 2019-10-02. Review status: criteria provided, single submitter. Criteria: ACMG Guidelines, 2015. Collection method: clinical testing. Allele origin: germline. Affected: no.

Baylor Genetics
Classification: Uncertain significance for Complex cortical dysplasia with other brain malformations 1. Last evaluated: 2018-01-18. Review status: criteria provided, single submitter. Criteria: ACMG Guidelines, 2015. Collection method: clinical testing. Allele origin: maternal. Affected: yes.
Comment: This variant was determined to be of uncertain significance according to ACMG Guidelines, 2015 [PMID:25741868].

Eurofins Ntd Llc (ga)
Classification: Uncertain significance. Last evaluated: 2014-12-05. Review status: criteria provided, single submitter. Criteria: EGL Classification Definitions 2015. Collection method: clinical testing. Allele origin: germline. Observed: 1 variant allele, 1 heterozygote.

PreventionGenetics, part of Exact Sciences
Classification: Likely benign for TUBB3-related condition. Last evaluated: 2019-07-17. Review status: no assertion criteria provided. Collection method: clinical testing. Allele origin: germline. Not counted in ClinVar's aggregate classification.
Comment: This variant is classified as likely benign based on ACMG/AMP sequence variant interpretation guidelines (Richards et al. 2015 PMID: 25741868, with internal and published modifications).